The following is an entry in ClinVar:

ClinVar aggregate classification (germline): Likely benign (0 of 4 stars; one submission).

Conditions:
KIF26B-related disorder. Also called: KIF26B-related condition.

Allele frequency attached by ClinVar (database versions not stated): ExAC 0.00003; gnomAD 0.00005; TOPMed 0.00005.

Submission:

PreventionGenetics, part of Exact Sciences
Classification: Likely benign for KIF26B-related condition. Last evaluated: 2019-08-13. Review status: no assertion criteria provided. Collection method: clinical testing. Allele origin: germline.
Comment: This variant is classified as likely benign based on ACMG/AMP sequence variant interpretation guidelines (Richards et al. 2015 PMID: 25741868, with internal and published modifications).

NM_018012.4(KIF26B):c.1848G>A (p.Thr616=)

Gene: KIF26B (kinesin family member 26B; plus strand). Cytogenetic location: 1q44.
Variant type: single nucleotide variant.
Coding change: c.1848G>A on transcript NM_018012.4 (MANE Select); coding-DNA position 1848, G replaced by A.
Protein change: p.Thr616=; no amino-acid change (threonine 616 retained).
Molecular consequence: synonymous variant.
Genome position (GRCh38, 1-based): chr1:245,609,462, G>A. VCF-style: chr1-245609462-G-A. GRCh37 (hg19) VCF-style: chr1-245772764-G-A.
Identifiers: ClinVar variation 3053448 (VCV003053448.2), dbSNP rs775831302, ClinGen allele CA1487794.
Genomic context (GRCh38, chr1:245,609,462, plus strand): 5'-CGCCGTGGAAGTGTGGGGGAAGGAGGAGAACCTGCGGGACCTGCTGTCGGAGGTGGCCAC[G>A]GGCAGCCTGCAGGACGGCCAGTCCCCGGGCGTGTACCTCTGTGAGGACCCCATCTGCGGC-3'
Protein context (NP_060482.2, residues 606-626): NLRDLLSEVA[Thr616=]GSLQDGQSPG